The following is an entry in ClinVar:

ClinVar aggregate classification (germline): Pathogenic (1 of 4 stars; one submission).

Submission:

GeneDx
Classification: Pathogenic. Last evaluated: 2024-10-02. Review status: criteria provided, single submitter. Criteria: GeneDx Variant Classification Process June 2021. Collection method: clinical testing. Allele origin: germline. Affected: yes.
Comment: Frameshift variant predicted to result in protein truncation or nonsense mediated decay in a gene for which loss of function is a known mechanism of disease; Not observed at significant frequency in large population cohorts (gnomAD); Has not been previously published as pathogenic or benign to our knowledge

NM_020719.3(PRR12):c.4161del (p.Val1388fs)

Gene: PRR12 (proline rich 12; plus strand). Cytogenetic location: 19q13.33.
Variant type: Deletion.
Coding change: c.4161del on transcript NM_020719.3 (MANE Select); coding-DNA position 4161, one base deleted (T; older notation c.4161delT).
Protein change: p.Val1388fs; shifts the reading frame from valine 1388.
Molecular consequence: frameshift variant.
Genome position (GRCh38, 1-based): chr19:49,599,754, T deleted. VCF-style (leftmost placement, unchanged base first): chr19-49599753-CT-C. GRCh37 (hg19) VCF-style: chr19-50103010-CT-C.
Other names: short protein forms V1388fs.
Identifiers: ClinVar variation 4528318 (VCV004528318.1).